The following is an entry in ClinVar:

NM_014003.4(DHX38):c.2497C>T (p.Pro833Ser)

Gene: DHX38 (DEAH-box helicase 38; plus strand). Cytogenetic location: 16q22.2.
Variant type: single nucleotide variant.
Coding change: c.2497C>T on transcript NM_014003.4 (MANE Select); coding-DNA position 2497, C replaced by T.
Protein change: p.Pro833Ser; replaces proline 833 with serine.
Molecular consequence: missense variant.
Genome position (GRCh38, 1-based): chr16:72,106,014, C>T. VCF-style: chr16-72106014-C-T. GRCh37 (hg19) VCF-style: chr16-72139913-C-T.
Other names: c.2497C>T (NM_014003.3); short protein forms P833S.
Identifiers: ClinVar variation 1497398 (VCV001497398.9), dbSNP rs1014748960, ClinGen allele CA283686654.
Genomic context (GRCh38, chr16:72,106,014, plus strand): 5'-CCACTTTCCCCTCACTCTGTCCTTCGTCAGCTCTTTGCCGTCCCCTCCTAGGTCTTCAAC[C>T]CCAGGATTGGCATGGATGCTCTGCAGATCTATCCCATTAGCCAGGCCAATGCCAACCAGC-3'
Protein context (NP_054722.2, residues 823-843): SGYCKLKVFN[Pro833Ser]RIGMDALQIY

ClinVar aggregate classification (germline): Uncertain significance. Review status: criteria provided, multiple submitters, no conflicts (2 of 4 stars). 3 submissions from 3 submitters: Uncertain significance (3). Last evaluated 2025-11-24.

Allele frequency attached by ClinVar (database versions not stated): gnomAD 0.00003 and 0.00004; gnomAD exomes 0.00005; TOPMed 0.00006.
gnomAD v4.1: 92 of 1,613,994 alleles (0.0057%); highest among the groups gnomAD compares: Non-Finnish European, 0.0068%; no homozygotes.

Submissions (3):

Ambry Genetics
Classification: Uncertain significance. Last evaluated: 2025-11-24. Review status: criteria provided, single submitter. Criteria: Ambry Variant Classification Scheme 2023. Collection method: clinical testing. Allele origin: germline.

Labcorp Genetics (formerly Invitae), Labcorp
Classification: Uncertain significance. Last evaluated: 2022-06-20. Review status: criteria provided, single submitter. Criteria: Invitae Variant Classification Sherloc (09022015). Collection method: clinical testing. Allele origin: germline.
Comment: This variant is not present in population databases (gnomAD no frequency). This sequence change replaces proline, which is neutral and non-polar, with serine, which is neutral and polar, at codon 833 of the DHX38 protein (p.Pro833Ser). This variant has not been reported in the literature in individuals affected with DHX38-related conditions. In summary, the available evidence is currently insufficient to determine the role of this variant in disease. Therefore, it has been classified as a Variant of Uncertain Significance. Algorithms developed to predict the effect of missense changes on protein structure and function are either unavailable or do not agree on the potential impact of this missense change (SIFT: "Tolerated"; PolyPhen-2: "Possibly Damaging"; Align-GVGD: "Class C0").

Blueprint Genetics
Classification: Uncertain significance. Last evaluated: 2021-12-12. Review status: criteria provided, single submitter. Criteria: ACMG Guidelines, 2015. Collection method: clinical testing. Allele origin: germline.